The following is an entry in ClinVar:

NM_000051.4(ATM):c.8164C>G (p.Leu2722Val)

Genes: ATM (ATM serine/threonine kinase; plus strand), C11orf65 (chromosome 11 open reading frame 65; minus strand). Cytogenetic location: 11q22.3.
Variant type: single nucleotide variant.
Coding change: c.8164C>G on transcript NM_000051.4 (MANE Select); coding-DNA position 8164, C replaced by G.
Protein change: p.Leu2722Val; replaces leucine 2722 with valine.
Molecular consequence: missense variant. On other transcripts: intron variant (2).
Genome position (GRCh38, 1-based): chr11:108,335,857, C>G. VCF-style: chr11-108335857-C-G. GRCh37 (hg19) VCF-style: chr11-108206584-C-G.
Other names: c.8164C>G, p.Leu2722Val (NM_001351834.2); c.641-26786G>C (NM_001330368.2); c.695-565G>C (NM_001351110.2); short protein forms L2722V.
Identifiers: ClinVar variation 142350 (VCV000142350.12), dbSNP rs587782399, ClinGen allele CA168141.

ClinVar aggregate classification (germline): Uncertain significance. Review status: criteria provided, multiple submitters, no conflicts (2 of 4 stars). 2 submissions from 2 submitters: Uncertain significance (2). Last evaluated 2024-05-06.

Conditions:
Hereditary cancer-predisposing syndrome. Also called: Neoplastic Syndromes, Hereditary; Hereditary Cancer Syndrome; Tumor predisposition; Hereditary neoplastic syndrome. Identifiers: Orphanet 140162, MedGen C0027672, MeSH D009386, MONDO:0015356.
Ataxia-telangiectasia syndrome (AT). Also called: Ataxia-telangiectasia, complementation group D; AT, COMPLEMENTATION GROUP C; Ataxia-telangiectasia; ATAXIA-TELANGIECTASIA, COMPLEMENTATION GROUP A; ATAXIA-TELANGIECTASIA, FRESNO VARIANT; Ataxia-telangiectasia, complementation group E. Identifiers: Orphanet 100, MedGen C0004135, MONDO:0008840, OMIM 208900.

Submissions (2):

Labcorp Genetics (formerly Invitae), Labcorp
Classification: Uncertain significance for Ataxia-telangiectasia syndrome. Last evaluated: 2024-05-06. Review status: criteria provided, single submitter. Criteria: Invitae Variant Classification Sherloc (09022015). Collection method: clinical testing. Allele origin: germline.
Comment: This sequence change replaces leucine, which is neutral and non-polar, with valine, which is neutral and non-polar, at codon 2722 of the ATM protein (p.Leu2722Val). This variant is not present in population databases (gnomAD no frequency). This variant has not been reported in the literature in individuals affected with ATM-related conditions. ClinVar contains an entry for this variant (Variation ID: 142350). An algorithm developed to predict the effect of missense changes on protein structure and function (PolyPhen-2) suggests that this variant is likely to be disruptive. In summary, the available evidence is currently insufficient to determine the role of this variant in disease. Therefore, it has been classified as a Variant of Uncertain Significance.

Ambry Genetics
Classification: Uncertain significance for Hereditary cancer-predisposing syndrome. Last evaluated: 2021-01-12. Review status: criteria provided, single submitter. Criteria: Ambry Variant Classification Scheme 2023. Collection method: clinical testing. Allele origin: germline.
Comment: The p.L2722V variant (also known as c.8164C>G), located in coding exon 55 of the ATM gene, results from a C to G substitution at nucleotide position 8164. The leucine at codon 2722 is replaced by valine, an amino acid with highly similar properties. This amino acid position is highly conserved in available vertebrate species. In addition, this alteration is predicted to be deleterious by in silico analysis. Since supporting evidence is limited at this time, the clinical significance of this alteration remains unclear.